The following is an entry in ClinVar:

ClinVar aggregate classification (germline): Uncertain significance (1 of 4 stars; one submission).

Conditions:
Inborn genetic diseases. Identifiers: MedGen C0950123, MeSH D030342.

Submission:

Ambry Genetics
Classification: Uncertain significance for Inborn genetic diseases. Last evaluated: 2025-05-05. Review status: criteria provided, single submitter. Criteria: Ambry Variant Classification Scheme 2023. Collection method: clinical testing. Allele origin: germline.
Comment: The p.G652D variant (also known as c.1955G>A), located in coding exon 13 of the LTBP3 gene, results from a G to A substitution at nucleotide position 1955. The glycine at codon 652 is replaced by aspartic acid, an amino acid with similar properties. This amino acid position is conserved. In addition, the in silico prediction for this alteration is inconclusive. Based on the available evidence, the clinical significance of this variant remains unclear.

NM_001130144.3(LTBP3):c.1955G>A (p.Gly652Asp)

Genes: LTBP3 (latent transforming growth factor beta binding protein 3; minus strand), LOC130006032 (ATAC-STARR-seq lymphoblastoid silent region 3535; plus strand). Cytogenetic location: 11q13.1.
Variant type: single nucleotide variant.
Coding change: c.1955G>A on transcript NM_001130144.3 (MANE Select); coding-DNA position 1955, G replaced by A.
Protein change: p.Gly652Asp; replaces glycine 652 with aspartic acid.
Molecular consequence: missense variant.
Genome position (GRCh38, 1-based): chr11:65,547,713, C>T on the plus strand (G>A on the coding strand, the complement: LTBP3 is on the minus strand). VCF-style: chr11-65547713-C-T. GRCh37 (hg19) VCF-style: chr11-65315184-C-T.
Other names: c.1604G>A, p.Gly535Asp (NM_001164266.1); c.1955G>A, p.Gly652Asp (NM_021070.4); short protein forms G535D, G652D.
Identifiers: ClinVar variation 4049878 (VCV004049878.1).